The following is an entry in ClinVar:

ClinVar aggregate classification (germline): Uncertain significance. Review status: criteria provided, multiple submitters, no conflicts (2 of 4 stars). 2 submissions from 2 submitters: Uncertain significance (2). Last evaluated 2024-12-04.

Allele frequency attached by ClinVar (database versions not stated): gnomAD exomes 0.00001; TOPMed 0.00001; ExAC 0.00002; ESP Exome Variant Server 0.00009.
gnomAD v4.1: 10 of 1,207,877 alleles (0.00083%); highest among the groups gnomAD compares: South Asian, 0.0018%; no homozygotes.

Submissions (2):

Labcorp Genetics (formerly Invitae), Labcorp
Classification: Uncertain significance. Last evaluated: 2024-12-04. Review status: criteria provided, single submitter. Criteria: Invitae Variant Classification Sherloc (09022015). Collection method: clinical testing. Allele origin: germline.
Comment: This sequence change replaces arginine, which is basic and polar, with cysteine, which is neutral and slightly polar, at codon 784 of the BRWD3 protein (p.Arg784Cys). This variant is present in population databases (rs142223428, gnomAD 0.005%), including at least one homozygous and/or hemizygous individual. This variant has not been reported in the literature in individuals affected with BRWD3-related conditions. ClinVar contains an entry for this variant (Variation ID: 2660985). Invitae Evidence Modeling of protein sequence and biophysical properties (such as structural, functional, and spatial information, amino acid conservation, physicochemical variation, residue mobility, and thermodynamic stability) indicates that this missense variant is not expected to disrupt BRWD3 protein function with a negative predictive value of 80%. In summary, the available evidence is currently insufficient to determine the role of this variant in disease. Therefore, it has been classified as a Variant of Uncertain Significance.

CeGaT Center for Human Genetics Tuebingen
Classification: Uncertain significance. Last evaluated: 2022-12-01. Review status: criteria provided, single submitter. Criteria: CeGaT Center For Human Genetics Tuebingen Variant Classification Criteria Version 2. Collection method: clinical testing. Allele origin: germline. Affected: yes. Observed: 1 variant allele.
Comment: BRWD3: PM2, PP2

NM_153252.5(BRWD3):c.2350C>T (p.Arg784Cys)

Gene: BRWD3 (bromodomain and WD repeat domain containing 3; minus strand). Cytogenetic location: Xq21.1.
Variant type: single nucleotide variant.
Coding change: c.2350C>T on transcript NM_153252.5 (MANE Select); coding-DNA position 2350, C replaced by T.
Protein change: p.Arg784Cys; replaces arginine 784 with cysteine.
Molecular consequence: missense variant.
Genome position (GRCh38, 1-based): chrX:80,709,553, G>A on the plus strand (C>T on the coding strand, the complement: BRWD3 is on the minus strand). VCF-style: chrX-80709553-G-A. GRCh37 (hg19) VCF-style: chrX-79965052-G-A.
Other names: short protein forms R784C.
Identifiers: ClinVar variation 2660985 (VCV002660985.26), dbSNP rs142223428, ClinGen allele CA10462044.
Genomic context (GRCh38, chrX:80,709,553, plus strand): 5'-CTATGTTGGACCGTGTTTGGTAAGTATGCTGACGTTTGCGCTGTGTCCTGCGTAAAGAAC[G>A]CCCACAGCTAGGCTCATAATCATTCTGTAAAAGAGAAGAATAATAAATTTTAAAAAAGGA-3'
Protein context (NP_694984.5, residues 774-794): QRNDYEPSCG[Arg784Cys]SLRRTQRKRQ